The following is an entry in ClinVar:

NM_013432.5(TONSL):c.1456G>C (p.Gly486Arg)

Gene: TONSL (tonsoku like, DNA repair protein; minus strand). Cytogenetic location: 8q24.3.
Variant type: single nucleotide variant.
Coding change: c.1456G>C on transcript NM_013432.5 (MANE Select); coding-DNA position 1456, G replaced by C.
Protein change: p.Gly486Arg; replaces glycine 486 with arginine.
Molecular consequence: missense variant.
Genome position (GRCh38, 1-based): chr8:144,440,045, C>G on the plus strand (G>C on the coding strand, the complement: TONSL is on the minus strand). VCF-style: chr8-144440045-C-G. GRCh37 (hg19) VCF-style: chr8-145665428-C-G.
Other names: short protein forms G486R.
Identifiers: ClinVar variation 4741086 (VCV004741086.1).
Genomic context (GRCh38, chr8:144,440,045, plus strand): 5'-AGGCCCAGGGAAATGCAAGGTGCCGCTGGCCCTCACCGCCCTCTGAGAGCTCCACCTCGC[C>G]GGCCTCCAGGGCTTCGCTCTCCGCTGTGGCTGCCGCCTCCTCCGCCTCCTCCTCCTCATC-3'
Protein context (NP_038460.4, residues 476-496): ATAESEALEA[Gly486Arg]EVELSEGEDD

ClinVar aggregate classification (germline): Uncertain significance (1 of 4 stars; one submission).

Submission:

Labcorp Genetics (formerly Invitae), Labcorp
Classification: Uncertain significance. Last evaluated: 2025-08-17. Review status: criteria provided, single submitter. Criteria: Invitae Variant Classification Sherloc (09022015). Collection method: clinical testing. Allele origin: germline.
Comment: This sequence change replaces glycine, which is neutral and non-polar, with arginine, which is basic and polar, at codon 486 of the TONSL protein (p.Gly486Arg). This variant is not present in population databases (gnomAD no frequency). This variant has not been reported in the literature in individuals affected with TONSL-related conditions. Invitae Evidence Modeling of protein sequence and biophysical properties (such as structural, functional, and spatial information, amino acid conservation, physicochemical variation, residue mobility, and thermodynamic stability) indicates that this missense variant is not expected to disrupt TONSL protein function with a negative predictive value of 80%. In summary, the available evidence is currently insufficient to determine the role of this variant in disease. Therefore, it has been classified as a Variant of Uncertain Significance.